The following is an entry in ClinVar:

ClinVar aggregate classification (germline): Uncertain significance. Review status: criteria provided, single submitter (1 of 4 stars). 2 submissions from 1 submitter: Uncertain significance (2). Last evaluated 2022-10-17.

Conditions:
Hypertrophic cardiomyopathy. Also called: HYPERTROPHIC MYOCARDIOPATHY. Identifiers: Orphanet 217569, MedGen C0007194, MeSH D002312, MONDO:0005045, HP:0001639.
Hypertrophic cardiomyopathy 14. Identifiers: MedGen C2750467, MONDO:0013197, OMIM 613251.

Submissions (2):

Labcorp Genetics (formerly Invitae), Labcorp
Classification: Uncertain significance for Hypertrophic cardiomyopathy. Last evaluated: 2022-10-17. Review status: criteria provided, single submitter. Criteria: Invitae Variant Classification Sherloc (09022015). Collection method: clinical testing. Allele origin: germline.
Comment: This variant results in a copy number gain of the genomic region encompassing exon(s) 27-40 of the MYH7 gene. This region includes the termination codon of the gene. This copy number gain extends beyond the assayed region for this gene and therefore may encompass additional genes. As the precise location of this event is unknown, it may be in tandem or it may be located elsewhere in the genome. This variant has not been reported in the literature in individuals affected with MYH7-related conditions. In summary, the available evidence is currently insufficient to determine the role of this variant in disease. Therefore, it has been classified as a Variant of Uncertain Significance.

Labcorp Genetics (formerly Invitae), Labcorp
Classification: Uncertain significance for Familial hypertrophic cardiomyopathy 14. Last evaluated: 2018-03-01. Review status: criteria provided, single submitter. Criteria: Invitae Variant Classification Sherloc (09022015). Collection method: clinical testing. Allele origin: germline.
Comment: This variant is a gross duplication of the genomic region encompassing exons 1-25 of the MYH6 gene. The 5' end of this event is unknown as it extends beyond the assayed region for this gene and therefore may encompass additional genes. The 3' boundary is likely confined to intron 25 of the MYH6 gene. The exact location of this variant in the genome is unknown. This variant has not been reported in the literature in individuals with MYH6-related disease. Experimental studies and prediction algorithms are not available for this variant, and the functional significance of the duplicated amino acid(s) is currently unknown. In summary, the available evidence is currently insufficient to determine the role of this variant in disease. Therefore, it has been classified as a Variant of Uncertain Significance.

NC_000014.8:g.(?_23861751)_(23889463_?)dup

Genes: MHRT (myosin heavy chain associated RNA transcript; plus strand), MIR208B (microRNA 208b; minus strand), MYH6 (myosin heavy chain 6; minus strand), MYH7 (myosin heavy chain 7; minus strand), LOC114827851 (VISTA enhancer hs2155; plus strand) and 1 more. Cytogenetic location: 14q11.2.
Variant type: Duplication.
Identifiers: ClinVar variation 470501 (VCV000470501.3).